The following is an entry in ClinVar:

NM_000168.6(GLI3):c.367+1G>A

Gene: GLI3 (GLI family zinc finger 3; minus strand). Cytogenetic location: 7p14.1.
Variant type: single nucleotide variant.
Coding change: c.367+1G>A on transcript NM_000168.6 (MANE Select); the canonical splice donor site of the intron after coding-DNA position 367, G replaced by A.
Molecular consequence: splice donor variant.
Genome position (GRCh38, 1-based): chr7:42,148,225, C>T on the plus strand (G>A on the coding strand, the complement: GLI3 is on the minus strand). VCF-style: chr7-42148225-C-T. GRCh37 (hg19) VCF-style: chr7-42187824-C-T.
Identifiers: ClinVar variation 2061209 (VCV002061209.5), dbSNP rs1444623267, ClinGen allele CA367550161.

ClinVar aggregate classification (germline): Conflicting classifications of pathogenicity. Review status: criteria provided, conflicting classifications (1 of 4 stars). 2 submissions from 2 submitters: Likely pathogenic (1); Uncertain significance (1). Last evaluated 2025-02-16.

Conditions:
Pallister-Hall syndrome (PHS). Also called: HYPOTHALAMIC HAMARTOBLASTOMA, HYPOPITUITARISM, IMPERFORATE ANUS, AND POSTAXIAL POLYDACTYLY; GLI3-Related Pallister-Hall Syndrome. Identifiers: Orphanet 672, MedGen C0265220, MONDO:0007804, OMIM 146510.
Greig cephalopolysyndactyly syndrome (GCPS). Also called: POLYSYNDACTYLY WITH PECULIAR SKULL SHAPE; Greig syndrome; GLI3-Related Greig Cephalopolysyndactyly Syndrome. Identifiers: Orphanet 380, MedGen C0265306, MONDO:0008287, OMIM 175700.

Allele frequency attached by ClinVar (database versions not stated): gnomAD exomes below 0.00001; gnomAD 0.00001.

Submissions (2):

Laboratory of Genetics, Children's Clinical University Hospital Latvia
Classification: Uncertain significance. Last evaluated: 2025-02-16. Review status: criteria provided, single submitter. Criteria: ACMG Guidelines, 2015. Collection method: clinical testing. Allele origin: germline. Affected: yes.

Labcorp Genetics (formerly Invitae), Labcorp
Classification: Likely pathogenic for Pallister-Hall syndrome; Greig cephalopolysyndactyly syndrome. Last evaluated: 2024-07-23. Review status: criteria provided, single submitter. Criteria: Invitae Variant Classification Sherloc (09022015). Collection method: clinical testing. Allele origin: germline.
Comment: This sequence change affects a donor splice site in intron 3 of the GLI3 gene. It is expected to disrupt RNA splicing. Variants that disrupt the donor or acceptor splice site typically lead to a loss of protein function (PMID: 16199547), and loss-of-function variants in GLI3 are known to be pathogenic (PMID: 10441570, 15739154, 18000979, 24736735). This variant is present in population databases (no rsID available, gnomAD 0.0008%). This variant has not been reported in the literature in individuals affected with GLI3-related conditions. ClinVar contains an entry for this variant (Variation ID: 2061209). Algorithms developed to predict the effect of sequence changes on RNA splicing suggest that this variant may disrupt the consensus splice site. In summary, the currently available evidence indicates that the variant is pathogenic, but additional data are needed to prove that conclusively. Therefore, this variant has been classified as Likely Pathogenic.

Literature cited by the submitters: PubMed 16199547 (cited by Labcorp Genetics (formerly Invitae), Labcorp); PubMed 10441570 (cited by Labcorp Genetics (formerly Invitae), Labcorp); PubMed 15739154 (cited by Labcorp Genetics (formerly Invitae), Labcorp); PubMed 18000979 (cited by Labcorp Genetics (formerly Invitae), Labcorp); PubMed 24736735 (cited by Labcorp Genetics (formerly Invitae), Labcorp).